The following is an entry in ClinVar:

NM_000829.4(GRIA4):c.2633del (p.Cys878fs)

Gene: GRIA4 (glutamate ionotropic receptor AMPA type subunit 4; plus strand). Cytogenetic location: 11q22.3.
Variant type: Deletion.
Coding change: c.2633del on transcript NM_000829.4 (MANE Select); coding-DNA position 2633, one base deleted (G; older notation c.2633delG).
Protein change: p.Cys878fs; shifts the reading frame from cysteine 878.
Molecular consequence: frameshift variant. On other transcripts: 3 prime UTR variant (1), non-coding transcript variant (1).
Genome position (GRCh38, 1-based): chr11:105,979,663, G deleted. VCF-style (leftmost placement, unchanged base first): chr11-105979662-TG-T. GRCh37 (hg19) VCF-style: chr11-105850389-TG-T.
Other names: c.*91del (NM_001077243.3); short protein forms C878fs.
Identifiers: ClinVar variation 3347028 (VCV003347028.1).

ClinVar aggregate classification (germline): Uncertain significance (0 of 4 stars; one submission).

Conditions:
GRIA4-related disorder. Also called: GRIA4-related condition.

Submission:

PreventionGenetics, part of Exact Sciences
Classification: Uncertain significance for GRIA4-related condition. Last evaluated: 2024-07-30. Review status: no assertion criteria provided. Collection method: clinical testing. Allele origin: germline.
Comment: The GRIA4 c.2633delG variant is predicted to result in a frameshift and premature protein termination (p.Cys878Serfs*32). This variant occurs within the terminal exon of the GRIA4 gene and disrupts the native stop codon leading to extension of the protein coding region by eight amino acids. To our knowledge, this variant has not been reported in the literature or in a large population database, indicating this variant is rare. At this time, the clinical significance of this variant is uncertain due to the absence of conclusive functional and genetic evidence.